The following is an entry in ClinVar:

ClinVar aggregate classification (germline): Pathogenic/Likely pathogenic. Review status: criteria provided, multiple submitters, no conflicts (2 of 4 stars). 3 submissions from 3 submitters: Pathogenic (1); Likely pathogenic (2). Last evaluated 2026-07-27.

Conditions:
Neurodevelopmental disorder. Identifiers: MedGen C1535926, MeSH D065886, MONDO:0700092.
Atrial fibrillation, familial, 8. Also called: ATFB8. Identifiers: MedGen C2751607, MONDO:0013100, OMIM 613055.

Allele frequency attached by ClinVar (database versions not stated): gnomAD exomes below 0.00001.
gnomAD v4.1: 1 of 1,614,108 alleles (0.000062%); highest among the groups gnomAD compares: Non-Finnish European, 0.000085%; no homozygotes.

Submissions (3):

Center for Human Genetics and Genomic Medicine, Uniklinik Rwth Aachen
Classification: Likely pathogenic for Atrial fibrillation, familial, 8. Last evaluated: 2026-07-27. Review status: criteria provided, single submitter. Criteria: ACMG Guidelines, 2015. Collection method: clinical testing. Allele origin: unknown. Inheritance: Autosomal dominant inheritance. Affected: yes. Observed: 1 variant allele, 1 heterozygote.
Comment: The variant has an extremely low allele frequency in large population studies (PM2_sup) but it has been detected in 2 affected patients. Truncating variants in ZFHX3 are not to be pathogenic (PVS1). The variant is located in a mutation hotspot.

Ambry Genetics
Classification: Pathogenic. Last evaluated: 2025-11-20. Review status: criteria provided, single submitter. Criteria: Ambry Variant Classification Scheme 2023. Collection method: clinical testing. Allele origin: germline.
Comment: The c.6850C>T (p.R2284*) alteration, located in exon 9 (coding exon 8) of the ZFHX3 gene, consists of a C to T substitution at nucleotide position 6850. This changes the amino acid from an arginine (R) to a stop codon at amino acid position 2284. This alteration is expected to result in loss of function by premature protein truncation or nonsense-mediated mRNA decay. This variant was not reported in population-based cohorts in the Genome Aggregation Database (gnomAD). Based on the available evidence, this alteration is classified as pathogenic.

Victorian Clinical Genetics Services, Murdoch Childrens Research Institute
Classification: Likely pathogenic for Neurodevelopmental disorder. Last evaluated: 2024-09-20. Review status: criteria provided, single submitter. Criteria: ACMG Guidelines, 2015. Collection method: clinical testing. Allele origin: germline. Inheritance: Autosomal dominant inheritance. Affected: yes.
Comment: Based on the classification scheme VCGS_Germline_v1.3.4, this variant is classified as Likely Pathogenic. Following criteria are met: 0105 - The mechanism of disease for this gene is not clearly established. However, due to emerging evidence the mechanism is likely to be loss of function (PMID: 37292950) . (I) 0107 - This gene is associated with autosomal dominant disease. (I) 0201 - Variant is predicted to cause nonsense-mediated decay (NMD) and loss of protein (premature termination codon is located at least 54 nucleotides upstream of the final exon-exon junction). (SP) 0251 - This variant is heterozygous. (I) 0301 - Variant is absent from gnomAD (both v2 and v3). (SP) 0701 - Other NMD-predicted variants comparable to the one identified in this case have very strong previous evidence for pathogenicity, and have been reported both as de novo or inherited in individuals with a neurodevelopmental disorder (PMID: 37292950). (SP) 0802 - This variant has moderate previous evidence of pathogenicity in unrelated individuals. This variant has been reported once as de novo and likely pathogenic, in an individual with inborn genetic disease, who also had another de novo missense variant in this gene (ClinVar, PMID: 29388939, PMID: 27513193). (SP) 0905 - No published segregation evidence has been identified for this variant. (I) 1007 - No published functional evidence has been identified for this variant. (I) 1208 - Inheritance information for this variant is not currently available in this individual. (I) Legend: (SP) - Supporting pathogenic, (I) - Information, (SB) - Supporting benign

Literature cited by the submitters: PubMed 38412861 (cited by Center for Human Genetics and Genomic Medicine, Uniklinik Rwth Aachen); PubMed 27513193 (cited by Victorian Clinical Genetics Services, Murdoch Childrens Research Institute); PubMed 29388939 (cited by Victorian Clinical Genetics Services, Murdoch Childrens Research Institute); PubMed 37292950 (cited by Victorian Clinical Genetics Services, Murdoch Childrens Research Institute).

NM_006885.4(ZFHX3):c.6850C>T (p.Arg2284Ter)

Genes: ZFHX3-AS1 (ZFHX3 antisense RNA 1; plus strand), ZFHX3 (zinc finger homeobox 3; minus strand). Cytogenetic location: 16q22.2.
Variant type: single nucleotide variant.
Coding change: c.6850C>T on transcript NM_006885.4 (MANE Select); coding-DNA position 6850, C replaced by T.
Protein change: p.Arg2284Ter; replaces arginine 2284 with a stop codon.
Molecular consequence: nonsense.
Genome position (GRCh38, 1-based): chr16:72,795,832, G>A on the plus strand (C>T on the coding strand, the complement: ZFHX3 is on the minus strand). VCF-style: chr16-72795832-G-A. GRCh37 (hg19) VCF-style: chr16-72829731-G-A.
Other names: c.4108C>T, p.Arg1370Ter (NM_001164766.2); short protein forms R2284*, R1370*.
Identifiers: ClinVar variation 224985 (VCV000224985.8), dbSNP rs869312913, ClinGen allele CA358110.